The following is an entry in ClinVar:

NM_020843.4(SCAPER):c.3926G>T (p.Ser1309Ile)

Gene: SCAPER (S-phase cyclin A associated protein in the ER; minus strand). Cytogenetic location: 15q24.3.
Variant type: single nucleotide variant.
Coding change: c.3926G>T on transcript NM_020843.4 (MANE Select); coding-DNA position 3926, G replaced by T.
Protein change: p.Ser1309Ile; replaces serine 1309 with isoleucine.
Molecular consequence: missense variant. On other transcripts: non-coding transcript variant (1).
Genome position (GRCh38, 1-based): chr15:76,354,070, C>A on the plus strand (G>T on the coding strand, the complement: SCAPER is on the minus strand). VCF-style: chr15-76354070-C-A. GRCh37 (hg19) VCF-style: chr15-76646411-C-A.
Other names: c.3188G>T, p.Ser1063Ile (NM_001145923.2); c.3944G>T, p.Ser1315Ile (NM_001353009.2); c.3524G>T, p.Ser1175Ile (NM_001353010.2, NM_001353012.2); c.3542G>T, p.Ser1181Ile (NM_001353011.2); short protein forms S1063I, S1175I, S1181I, S1309I, S1315I.
Identifiers: ClinVar variation 3357998 (VCV003357998.1).

ClinVar aggregate classification (germline): Uncertain significance (0 of 4 stars; one submission).

Conditions:
SCAPER-related disorder. Also called: SCAPER-related condition.

gnomAD v4.1: 78 of 1,610,878 alleles (0.0048%); highest among the groups gnomAD compares: Non-Finnish European, 0.0064%; no homozygotes.

Submission:

PreventionGenetics, part of Exact Sciences
Classification: Uncertain significance for SCAPER-related condition. Last evaluated: 2024-08-23. Review status: no assertion criteria provided. Collection method: clinical testing. Allele origin: germline.
Comment: The SCAPER c.3944G>T variant is predicted to result in the amino acid substitution p.Ser1315Ile. To our knowledge, this variant has not been reported in the literature. This variant is reported in 0.0066% of alleles in individuals of African descent in gnomAD. At this time, the clinical significance of this variant is uncertain due to the absence of conclusive functional and genetic evidence.